The following is an entry in ClinVar:

ClinVar aggregate classification (germline): Pathogenic. Review status: criteria provided, multiple submitters, no conflicts (2 of 4 stars). 4 submissions from 3 submitters: Pathogenic (3). 1 of the submissions does not count toward it. Last evaluated 2023-05-15.

Conditions:
Hereditary cancer-predisposing syndrome. Also called: Hereditary neoplastic syndrome; Hereditary Cancer Syndrome; Neoplastic Syndromes, Hereditary; Tumor predisposition. Identifiers: Orphanet 140162, MedGen C0027672, MeSH D009386, MONDO:0015356.
Familial adenomatous polyposis 1 (FAP1). Also called: FAMILIAL ADENOMATOUS POLYPOSIS 1, ATTENUATED; POLYPOSIS, ADENOMATOUS INTESTINAL. Identifiers: MedGen C2713442, MONDO:0021056, OMIM 175100. Disease mechanism: loss of function.

Submissions (4):

Myriad Genetics, Inc.
Classification: Pathogenic for Familial adenomatous polyposis 1. Last evaluated: 2023-05-15. Review status: criteria provided, single submitter. Criteria: Myriad Autosomal Dominant, Autosomal Recessive and X-Linked Classification Criteria (2023). Collection method: clinical testing. Allele origin: unknown.
Comment: This variant is considered pathogenic. This variant creates a frameshift predicted to result in premature protein truncation.

Ambry Genetics
Classification: Pathogenic for Hereditary cancer-predisposing syndrome. Last evaluated: 2021-08-27. Review status: criteria provided, single submitter. Criteria: Ambry Variant Classification Scheme 2023. Collection method: clinical testing. Allele origin: germline.
Comment: The c.5917delA pathogenic mutation, located in coding exon 15 of the APC gene, results from a deletion of one nucleotide at nucleotide position 5917, causing a translational frameshift with a predicted alternate stop codon (p.S1973Vfs*71). This alteration occurs at the 3' terminus of the APC gene, is not expected to trigger nonsense-mediated mRNA decay, and impacts the last 871 amino acids of the protein. However, premature stop codons are typically deleterious in nature, the impacted region is critical for protein function, and a significant portion of the protein is affected (Ambry internal data). This alteration was identified in 1/1164 unrelated German index patients with a clinical diagnosis of FAP or AFAP (Friedl W et al. Hered Cancer Clin Pract, 2005 Sep;3:95-114). This variant is considered to be rare based on population cohorts in the Genome Aggregation Database (gnomAD). Based on the supporting evidence, this alteration is interpreted as a disease-causing mutation.

Labcorp Genetics (formerly Invitae), Labcorp
Classification: Pathogenic for Familial adenomatous polyposis 1. Last evaluated: 2016-01-18. Review status: criteria provided, single submitter. Criteria: Invitae Variant Classification Sherloc (09022015). Collection method: clinical testing. Allele origin: germline.
Comment: For these reasons, this variant has been classified as Pathogenic. Truncating variants in APC are known to be pathogenic. This particular truncation has been reported in the literature in an individual suspected of having familial adenomatous polyposis (PMID: 20223039). This sequence change deletes 1 nucleotide from exon 16 of the APC mRNA (c.5917delA), causing a frameshift at codon 1973. This creates a premature translational stop signal in the last exon of the APC mRNA (p.Ser1973Valfs*71). While this is not anticipated to result in nonsense mediated decay, it is expected to create a truncated APC protein by eliminating ~870 amino acid residues (~31%) from the full length protein.

Labcorp Genetics (formerly Invitae), Labcorp
Classification: Pathogenic for Familial adenomatous polyposis 1. Last evaluated: 2016-01-18. Review status: flagged submission. Criteria: Invitae Variant Classification Sherloc (09022015). Collection method: clinical testing. Allele origin: germline. Not counted in ClinVar's aggregate classification.
Comment: This sequence change deletes 1 nucleotide from exon 16 of the APC mRNA (c.5917delA), causing a frameshift at codon 1973. This creates a premature translational stop signal in the last exon of the APC mRNA (p.Ser1973Valfs*71). While this is not anticipated to result in nonsense mediated decay, it is expected to create a truncated APC protein by eliminating ~870 amino acid residues (~31%) from the full length protein. Truncating variants in APC are known to be pathogenic. This particular truncation has been reported in the literature in an individual suspected of having familial adenomatous polyposis (PMID: 20223039). For these reasons, this variant has been classified as Pathogenic.
ClinVar note: Reason: This record appears to be redundant with a more recent record from the same submitter.
ClinVar note: Notes: SCV000282787 appears to be redundant with SCV002243251.

Literature cited by the submitters: PubMed 20223039 (cited by Ambry Genetics and Labcorp Genetics (formerly Invitae), Labcorp).

NM_000038.6(APC):c.5917del (p.Ser1973fs)

Gene: APC (APC regulator of Wnt signaling pathway; plus strand). Cytogenetic location: 5q22.2.
Variant type: Deletion.
Coding change: c.5917del on transcript NM_000038.6 (MANE Select); coding-DNA position 5917, one base deleted (A; older notation c.5917delA).
Protein change: p.Ser1973fs; shifts the reading frame from serine 1973.
Molecular consequence: frameshift variant.
Genome position (GRCh38, 1-based): chr5:112,841,511, A deleted. VCF-style (leftmost placement, unchanged base first): chr5-112841510-CA-C. GRCh37 (hg19) VCF-style: chr5-112177207-CA-C.
Other names: c.5917del, p.Ser1973fs (NM_001127510.3, NM_001354895.2); c.5863del, p.Ser1955fs (NM_001127511.3); c.5971del, p.Ser1991fs (NM_001354896.2); c.5947del, p.Ser1983fs (NM_001354897.2); c.5842del, p.Ser1948fs (NM_001354898.2); c.5833del, p.Ser1945fs (NM_001354899.2); c.5794del, p.Ser1932fs (NM_001354900.2); c.5740del, p.Ser1914fs (NM_001354901.2); and 5 more; short protein forms S1690fs, S1882fs, S1983fs, S1847fs, S1872fs, S1945fs, S1914fs, S1932fs.
Identifiers: ClinVar variation 236624 (VCV000236624.10), dbSNP rs878853458, ClinGen allele CA10582328.